The following is an entry in ClinVar:

NC_000009.11:g.(?_130241724)_(130244069_?)del

Gene: LRSAM1 (leucine rich repeat and sterile alpha motif containing 1; plus strand). Cytogenetic location: 9q33.3.
Variant type: Deletion.
Identifiers: ClinVar variation 3245251 (VCV003245251.1).

ClinVar aggregate classification (germline): Likely pathogenic (1 of 4 stars; one submission).

Conditions:
Charcot-Marie-Tooth disease axonal type 2P. Also called: CHARCOT-MARIE-TOOTH NEUROPATHY, TYPE 2P; Charcot-Marie-Tooth Neuropathy Type 2G; CHARCOT-MARIE-TOOTH DISEASE, AXONAL, TYPE 2G; CMT 2G. Identifiers: Orphanet 300319, Orphanet 99941, MedGen C3280797, MONDO:0013753, OMIM 614436.

Submission:

Labcorp Genetics (formerly Invitae), Labcorp
Classification: Likely pathogenic for Charcot-Marie-Tooth disease axonal type 2P. Last evaluated: 2023-02-01. Review status: criteria provided, single submitter. Criteria: Invitae Variant Classification Sherloc (09022015). Collection method: clinical testing. Allele origin: unknown.
Comment: This variant results in the deletion of exons 13-14 and part of exon 12 (c.843_1088+563del) of the LRSAM1 gene. It is expected to disrupt RNA splicing. Variants that disrupt the donor or acceptor splice site typically lead to a loss of protein function (PMID: 16199547), and loss-of-function variants in LRSAM1 are known to be pathogenic (PMID: 20865121, 33414056). In summary, the currently available evidence indicates that the variant is pathogenic, but additional data are needed to prove that conclusively. Therefore, this variant has been classified as Likely Pathogenic. This variant has not been reported in the literature in individuals affected with LRSAM1-related conditions.

Literature cited by the submitters: PubMed 16199547; PubMed 20865121; PubMed 33414056.